The following is an entry in ClinVar:

ClinVar aggregate classification (germline): Uncertain significance (1 of 4 stars; one submission).

Conditions:
Ehlers-Danlos syndrome, spondylodysplastic type, 3. Also called: Ehlers-Danlos syndrome, spondylocheirodysplastic type. Identifiers: Orphanet 157965, MedGen C2676510, MONDO:0012873, OMIM 612350.

Allele frequency attached by ClinVar (database versions not stated): gnomAD exomes below 0.00001.
gnomAD v4.1: 1 of 1,612,470 alleles (0.000062%); highest among the groups gnomAD compares: Non-Finnish European, 0.000085%; no homozygotes.

Submission:

Labcorp Genetics (formerly Invitae), Labcorp
Classification: Uncertain significance for Ehlers-Danlos syndrome, spondylodysplastic type, 3. Last evaluated: 2021-12-20. Review status: criteria provided, single submitter. Criteria: Invitae Variant Classification Sherloc (09022015). Collection method: clinical testing. Allele origin: germline.
Comment: In summary, the available evidence is currently insufficient to determine the role of this variant in disease. Therefore, it has been classified as a Variant of Uncertain Significance. Algorithms developed to predict the effect of missense changes on protein structure and function are either unavailable or do not agree on the potential impact of this missense change (SIFT: "Deleterious"; PolyPhen-2: "Probably Damaging"; Align-GVGD: "Class C15"). This variant has not been reported in the literature in individuals affected with SLC39A13-related conditions. This variant is present in population databases (no rsID available, gnomAD 0.0009%). This sequence change replaces glutamine, which is neutral and polar, with histidine, which is basic and polar, at codon 283 of the SLC39A13 protein (p.Gln283His).

NM_001128225.3(SLC39A13):c.849A>T (p.Gln283His)

Gene: SLC39A13 (solute carrier family 39 member 13; plus strand). Cytogenetic location: 11p11.2.
Variant type: single nucleotide variant.
Coding change: c.849A>T on transcript NM_001128225.3 (MANE Select); coding-DNA position 849, A replaced by T.
Protein change: p.Gln283His; replaces glutamine 283 with histidine.
Molecular consequence: missense variant. On other transcripts: non-coding transcript variant (1).
Genome position (GRCh38, 1-based): chr11:47,414,839, A>T. VCF-style: chr11-47414839-A-T. GRCh37 (hg19) VCF-style: chr11-47436390-A-T.
Other names: c.849A>T, p.Gln283His (NM_001330245.2, NM_152264.5); short protein forms Q283H.
Identifiers: ClinVar variation 1462020 (VCV001462020.6), dbSNP rs1468079148, ClinGen allele CA380314292.
Genomic context (GRCh38, chr11:47,414,839, plus strand): 5'-GGGCGACTTTGCCATCCTGCTCCGGGCCGGCTTTGACCGATGGAGCGCAGCCAAGCTGCA[A>T]CTCTCAACAGCGCTGGGGGGCCTACTGGGCGCTGGCTTCGCCATCTGTACCCAGTCCCCC-3'
Protein context (NP_001121697.2, residues 273-293): GFDRWSAAKL[Gln283His]LSTALGGLLG